The following is an entry in ClinVar:

NM_014009.4(FOXP3):c.532A>G (p.Arg178Gly)

Gene: FOXP3 (forkhead box P3; minus strand). Cytogenetic location: Xp11.23.
Variant type: single nucleotide variant.
Coding change: c.532A>G on transcript NM_014009.4 (MANE Select); coding-DNA position 532, A replaced by G.
Protein change: p.Arg178Gly; replaces arginine 178 with glycine.
Molecular consequence: missense variant.
Genome position (GRCh38, 1-based): chrX:49,256,935, T>C on the plus strand (A>G on the coding strand, the complement: FOXP3 is on the minus strand). VCF-style: chrX-49256935-T-C. GRCh37 (hg19) VCF-style: chrX-49113392-T-C.
Other names: c.427A>G, p.Arg143Gly (NM_001114377.2); short protein forms R143G, R178G.
Identifiers: ClinVar variation 3641470 (VCV003641470.2).

ClinVar aggregate classification (germline): Uncertain significance (1 of 4 stars; one submission).

Conditions:
Insulin-dependent diabetes mellitus secretory diarrhea syndrome (IPEX). Also called: DIABETES MELLITUS, CONGENITAL INSULIN-DEPENDENT, WITH FATAL SECRETORY DIARRHEA; DIARRHEA, POLYENDOCRINOPATHY, FATAL INFECTION SYNDROME, X-LINKED; ENTEROPATHY, AUTOIMMUNE, WITH HEMOLYTIC ANEMIA AND POLYENDOCRINOPATHY; IMMUNODEFICIENCY, POLYENDOCRINOPATHY, AND ENTEROPATHY, X-LINKED; X-Linked Autoimmunity-Allergic Dysregulation Syndrome; IPEX and IPEX-Like. Identifiers: Orphanet 37042, MedGen C0342288, MONDO:0010580, OMIM 304790. Disease mechanism: loss of function.

Submission:

Labcorp Genetics (formerly Invitae), Labcorp
Classification: Uncertain significance for Insulin-dependent diabetes mellitus secretory diarrhea syndrome. Last evaluated: 2024-02-17. Review status: criteria provided, single submitter. Criteria: Invitae Variant Classification Sherloc (09022015). Collection method: clinical testing. Allele origin: germline.
Comment: This sequence change replaces arginine, which is basic and polar, with glycine, which is neutral and non-polar, at codon 178 of the FOXP3 protein (p.Arg178Gly). This variant is not present in population databases (gnomAD no frequency). This variant has not been reported in the literature in individuals affected with FOXP3-related conditions. Advanced modeling of protein sequence and biophysical properties (such as structural, functional, and spatial information, amino acid conservation, physicochemical variation, residue mobility, and thermodynamic stability) performed at Invitae indicates that this missense variant is not expected to disrupt FOXP3 protein function with a negative predictive value of 80%. In summary, the available evidence is currently insufficient to determine the role of this variant in disease. Therefore, it has been classified as a Variant of Uncertain Significance.